The following is an entry in ClinVar:

ClinVar aggregate classification (germline): Likely pathogenic. Review status: criteria provided, multiple submitters, no conflicts (2 of 4 stars). 2 submissions from 2 submitters: Likely pathogenic (2). Last evaluated 2023-01-15.

Conditions:
CLN3-related disorders.
Neuronal ceroid lipofuscinosis. Also called: Neuronal Ceroid Lipofuscinoses. Identifiers: Orphanet 216, Orphanet 79263, MedGen C0027877, MONDO:0016295. Disease mechanism: loss of function.

Allele frequency attached by ClinVar (database versions not stated): gnomAD exomes below 0.00001.
gnomAD v4.1: 2 of 1,614,202 alleles (0.00012%); highest among the groups gnomAD compares: Non-Finnish European, 0.00017%; no homozygotes.

Submissions (2):

Labcorp Genetics (formerly Invitae), Labcorp
Classification: Likely pathogenic for Neuronal ceroid lipofuscinosis. Last evaluated: 2023-01-15. Review status: criteria provided, single submitter. Criteria: Invitae Variant Classification Sherloc (09022015). Collection method: clinical testing. Allele origin: germline.
Comment: In summary, the currently available evidence indicates that the variant is pathogenic, but additional data are needed to prove that conclusively. Therefore, this variant has been classified as Likely Pathogenic. Algorithms developed to predict the effect of sequence changes on RNA splicing suggest that this variant may disrupt the consensus splice site. This variant has not been reported in the literature in individuals affected with CLN3-related conditions. This variant is not present in population databases (gnomAD no frequency). This sequence change affects a donor splice site in intron 11 of the CLN3 gene. It is expected to disrupt RNA splicing. Variants that disrupt the donor or acceptor splice site typically lead to a loss of protein function (PMID: 16199547), and loss-of-function variants in CLN3 are known to be pathogenic (PMID: 9311735, 28542676).

Blueprint Genetics
Classification: Likely pathogenic for CLN3-related disorders. Last evaluated: 2018-09-19. Review status: criteria provided, single submitter. Criteria: ACMG Guidelines, 2015. Collection method: clinical testing. Allele origin: germline. Affected: yes. Observed: 1 variant allele.

Literature cited by the submitters: PubMed 16199547 (cited by Labcorp Genetics (formerly Invitae), Labcorp); PubMed 9311735 (cited by Labcorp Genetics (formerly Invitae), Labcorp); PubMed 28542676 (cited by Labcorp Genetics (formerly Invitae), Labcorp).

NM_001042432.2(CLN3):c.837+1G>T

Gene: CLN3 (CLN3 lysosomal/endosomal transmembrane protein, battenin; minus strand). Cytogenetic location: 16p12.1.
Variant type: single nucleotide variant.
Coding change: c.837+1G>T on transcript NM_001042432.2 (MANE Select); the canonical splice donor site of the intron after coding-DNA position 837, G replaced by T.
Molecular consequence: splice donor variant.
Genome position (GRCh38, 1-based): chr16:28,482,625, C>A on the plus strand (G>T on the coding strand, the complement: CLN3 is on the minus strand). VCF-style: chr16-28482625-C-A. GRCh37 (hg19) VCF-style: chr16-28493946-C-A.
Other names: c.603+1G>T (NM_001286109.2); c.765+1G>T (NM_001286104.2); c.537+1G>T (NM_001286105.2); c.675+1G>T (NM_001286110.2); c.837+1G>T (NM_000086.2).
Identifiers: ClinVar variation 2826379 (VCV002826379.4), dbSNP rs2506455024, ClinGen allele CA395344575.